The following is an entry in ClinVar:

NM_002439.5(MSH3):c.2751G>C (p.Gln917His)

Gene: MSH3 (mutS homolog 3; plus strand). Cytogenetic location: 5q14.1.
Variant type: single nucleotide variant.
Coding change: c.2751G>C on transcript NM_002439.5 (MANE Select); coding-DNA position 2751, G replaced by C.
Protein change: p.Gln917His; replaces glutamine 917 with histidine.
Molecular consequence: missense variant.
Genome position (GRCh38, 1-based): chr5:80,813,679, G>C. VCF-style: chr5-80813679-G-C. GRCh37 (hg19) VCF-style: chr5-80109498-G-C.
Other names: c.2751G>C (NM_002439.3); short protein forms Q917H.
Identifiers: ClinVar variation 3015942 (VCV003015942.4), dbSNP rs377380366, ClinGen allele CA360274002.

ClinVar aggregate classification (germline): Uncertain significance. Review status: criteria provided, multiple submitters, no conflicts (2 of 4 stars). 3 submissions from 3 submitters: Uncertain significance (3). Last evaluated 2025-05-31.

Conditions:
Hereditary cancer-predisposing syndrome. Also called: Neoplastic Syndromes, Hereditary; Tumor predisposition; Hereditary neoplastic syndrome; Hereditary Cancer Syndrome. Identifiers: Orphanet 140162, MedGen C0027672, MeSH D009386, MONDO:0015356.
Familial adenomatous polyposis 4 (FAP4). Also called: MSH3-related attenuated familial adenomatous polyposis. Identifiers: Orphanet 480536, MedGen C4310719, MONDO:0044300, OMIM 617100.

Submissions (3):

Ambry Genetics
Classification: Uncertain significance for Hereditary cancer-predisposing syndrome. Last evaluated: 2025-05-31. Review status: criteria provided, single submitter. Criteria: Ambry Variant Classification Scheme 2023. Collection method: clinical testing. Allele origin: germline.
Comment: The p.Q917H variant (also known as c.2751G>C), located in coding exon 20 of the MSH3 gene, results from a G to C substitution at nucleotide position 2751. The glutamine at codon 917 is replaced by histidine, an amino acid with highly similar properties. This amino acid position is conserved. In addition, this alteration is predicted to be deleterious by in silico analysis. Based on the available evidence, the clinical significance of this variant remains unclear.

Helix
Classification: Uncertain significance for Familial adenomatous polyposis 4. Last evaluated: 2025-05-21. Review status: criteria provided, single submitter. Criteria: ACMG Guidelines, 2015. Collection method: clinical testing. Allele origin: germline. Inheritance: Autosomal recessive inheritance.
Comment: This variant (NM_002439.5:c.2751G>C p.Gln917His) results in the substitution of glutamine with histidine at codon 917 in the MSH3 protein. It is a rare variant that is absent from the large gnomAD population database (v4.1). To our knowledge, this variant has not been reported in individuals with MSH3-related cancers. In silico prediction from REVEL (PMID: 27666373) is indeterminate. This variant is present in ClinVar (Accession: VCV003015942.2). In conclusion, since the available evidence is limited, the clinical significance of this variant is unclear at this time. Therefore, it is classified as a Variant of Uncertain Significance.

Labcorp Genetics (formerly Invitae), Labcorp
Classification: Uncertain significance. Last evaluated: 2023-12-30. Review status: criteria provided, single submitter. Criteria: Invitae Variant Classification Sherloc (09022015). Collection method: clinical testing. Allele origin: germline.
Comment: This sequence change replaces glutamine, which is neutral and polar, with histidine, which is basic and polar, at codon 917 of the MSH3 protein (p.Gln917His). This variant is not present in population databases (gnomAD no frequency). This variant has not been reported in the literature in individuals affected with MSH3-related conditions. An algorithm developed to predict the effect of missense changes on protein structure and function (PolyPhen-2) suggests that this variant is likely to be disruptive. In summary, the available evidence is currently insufficient to determine the role of this variant in disease. Therefore, it has been classified as a Variant of Uncertain Significance.